The following is an entry in ClinVar:

NM_000465.4(BARD1):c.1007G>A (p.Cys336Tyr)

Gene: BARD1 (BRCA1 associated RING domain 1; minus strand). Cytogenetic location: 2q35.
Variant type: single nucleotide variant.
Coding change: c.1007G>A on transcript NM_000465.4 (MANE Select); coding-DNA position 1007, G replaced by A.
Protein change: p.Cys336Tyr; replaces cysteine 336 with tyrosine.
Molecular consequence: missense variant. On other transcripts: non-coding transcript variant (2), intron variant (3).
Genome position (GRCh38, 1-based): chr2:214,780,867, C>T on the plus strand (G>A on the coding strand, the complement: BARD1 is on the minus strand). VCF-style: chr2-214780867-C-T. GRCh37 (hg19) VCF-style: chr2-215645591-C-T.
Other names: c.950G>A, p.Cys317Tyr (NM_001282543.2); c.159-28312G>A (NM_001282548.2); c.215+16194G>A (NM_001282545.2); c.364+11430G>A (NM_001282549.2); short protein forms C336Y, C317Y.
Identifiers: ClinVar variation 237812 (VCV000237812.29), dbSNP rs779527817, ClinGen allele CA2090348.

ClinVar aggregate classification (germline): Conflicting classifications of pathogenicity. Review status: criteria provided, conflicting classifications (1 of 4 stars). 9 submissions from 9 submitters: Uncertain significance (8); Likely benign (1). Last evaluated 2025-12-01.

Conditions:
Hereditary cancer-predisposing syndrome. Also called: Tumor predisposition; Hereditary neoplastic syndrome; Hereditary Cancer Syndrome; Neoplastic Syndromes, Hereditary. Identifiers: Orphanet 140162, MedGen C0027672, MeSH D009386, MONDO:0015356.
Familial cancer of breast. Also called: BREAST CANCER, FAMILIAL; Hereditary breast cancer; hereditary breast carcinoma. Identifiers: Orphanet 227535, MedGen C0346153, MONDO:0016419, OMIM 114480. Disease mechanism: loss of function.

Allele frequency attached by ClinVar (database versions not stated): gnomAD exomes below 0.00001 and 0.00002; TOPMed 0.00002; gnomAD 0.00001; ExAC 0.00002.
gnomAD v4.1: 6 of 1,614,006 alleles (0.00037%); highest among the groups gnomAD compares: East Asian, 0.013%; no homozygotes.

Submissions (9):

Labcorp Genetics (formerly Invitae), Labcorp
Classification: Uncertain significance for Familial cancer of breast. Last evaluated: 2025-12-01. Review status: criteria provided, single submitter. Criteria: Invitae Variant Classification Sherloc (09022015). Collection method: clinical testing. Allele origin: germline.
Comment: This sequence change replaces cysteine, which is neutral and slightly polar, with tyrosine, which is neutral and polar, at codon 336 of the BARD1 protein (p.Cys336Tyr). This variant is present in population databases (rs779527817, gnomAD 0.03%). This missense change has been observed in individual(s) with multiple primary malignancies (PMID: 38349998). ClinVar contains an entry for this variant (Variation ID: 237812). An algorithm developed to predict the effect of missense changes on protein structure and function outputs the following: PolyPhen-2: "Benign". The tyrosine amino acid residue is found in multiple mammalian species, which suggests that this missense change does not adversely affect protein function. In summary, the available evidence is currently insufficient to determine the role of this variant in disease. Therefore, it has been classified as a Variant of Uncertain Significance.

GeneDx
Classification: Uncertain significance. Last evaluated: 2025-11-20. Review status: criteria provided, single submitter. Criteria: GeneDx Variant Classification Process June 2021. Collection method: clinical testing. Allele origin: germline.
Comment: In silico analysis indicates that this missense variant does not alter protein structure/function; Observed in 0/1229 biliary tract cancer cases and in at least 1/37583 controls (PMID: 36243179); This variant is associated with the following publications: (PMID: 15632137, 36243179)

Quest Diagnostics Nichols Institute San Juan Capistrano
Classification: Uncertain significance. Last evaluated: 2025-10-22. Review status: criteria provided, single submitter. Criteria: Quest Diagnostics criteria. Collection method: clinical testing. Allele origin: unknown.
Comment: The BARD1 c.1007G>A (p.Cys336Tyr) variant has been reported in the published literature in an individual with ovarian cancer (PMID: 38509102 (2024)) and reportedly unaffected individuals (PMID: 36243179 (2022), 33471991 (2021), see also LOVD). The frequency of this variant in the general population (Genome Aggregation Database) is higher than would generally be expected for pathogenic variants in this gene. Analysis of this variant using bioinformatics tools for the prediction of the effect of amino acid changes on protein structure and function yielded predictions that this variant is benign. Based on the available information, we are unable to determine the clinical significance of this variant.

Ambry Genetics
Classification: Uncertain significance for Hereditary cancer-predisposing syndrome. Last evaluated: 2025-09-19. Review status: criteria provided, single submitter. Criteria: Ambry Variant Classification Scheme 2023. Collection method: clinical testing. Allele origin: germline.
Comment: The p.C336Y variant (also known as c.1007G>A), located in coding exon 4 of the BARD1 gene, results from a G to A substitution at nucleotide position 1007. The cysteine at codon 336 is replaced by tyrosine, an amino acid with highly dissimilar properties. This amino acid position is poorly conserved in available vertebrate species. In addition, this alteration is predicted to be tolerated by in silico analysis. Since supporting evidence is limited at this time, the clinical significance of this alteration remains unclear.

Color Diagnostics, LLC DBA Color Health
Classification: Likely benign for Hereditary cancer-predisposing syndrome. Last evaluated: 2025-08-25. Review status: criteria provided, single submitter. Criteria: ACMG Guidelines, 2015. Collection method: clinical testing. Allele origin: germline.

Baylor Genetics
Classification: Uncertain significance for Familial cancer of breast. Last evaluated: 2023-09-06. Review status: criteria provided, single submitter. Criteria: ACMG Guidelines, 2015. Collection method: clinical testing. Allele origin: unknown.

Department of Pathology and Laboratory Medicine, Sinai Health System
Classification: Uncertain significance for Familial cancer of breast. Last evaluated: 2023-04-13. Review status: criteria provided, single submitter. Criteria: ACMG Guidelines, 2015. Collection method: clinical testing. Allele origin: germline. Affected: yes.

Women's Health and Genetics/Laboratory Corporation of America, LabCorp
Classification: Uncertain significance. Last evaluated: 2022-09-25. Review status: criteria provided, single submitter. Criteria: LabCorp Variant Classification Summary - May 2015. Collection method: clinical testing. Allele origin: germline.

Fulgent Genetics
Classification: Uncertain significance for Familial cancer of breast. Last evaluated: 2018-10-31. Review status: criteria provided, single submitter. Criteria: ACMG Guidelines, 2015. Collection method: clinical testing. Allele origin: unknown.

Literature cited by the submitters: PubMed 38349998 (cited by Labcorp Genetics (formerly Invitae), Labcorp); PubMed 36243179 (cited by Quest Diagnostics Nichols Institute San Juan Capistrano); PubMed 33471991 (cited by Quest Diagnostics Nichols Institute San Juan Capistrano); PubMed 38509102 (cited by Quest Diagnostics Nichols Institute San Juan Capistrano).